The following is an entry in ClinVar:

ClinVar aggregate classification (germline): Pathogenic/Likely pathogenic. Review status: criteria provided, multiple submitters, no conflicts (2 of 4 stars). 2 submissions from 2 submitters: Pathogenic (1); Likely pathogenic (1). Last evaluated 2024-10-09.

Conditions:
Epidermolytic hyperkeratosis 2A, autosomal dominant (EHK2A). Identifiers: MedGen C5882671, MONDO:0700248, OMIM 620150.

Submissions (2):

Victorian Clinical Genetics Services, Murdoch Childrens Research Institute
Classification: Likely pathogenic for Epidermolytic hyperkeratosis 2A, autosomal dominant. Last evaluated: 2024-10-09. Review status: criteria provided, single submitter. Criteria: ACMG Guidelines, 2015. Collection method: clinical testing. Allele origin: germline. Inheritance: Autosomal dominant inheritance. Affected: yes.
Comment: Based on the classification scheme VCGS_Germline_v1.3.4, this variant is classified as Likely Pathogenic. Following criteria are met: 0103 - Dominant negative and loss of function are known mechanisms of disease in this gene and are associated with ichthyosis with confetti (MIM#609165), epidermolytic hyperkeratosis 2A, autosomal dominant (MIM#620150) and epidermolytic hyperkeratosis 2B, autosomal recessive (MIM#620707). Frameshift variants resulting in an arginine-rich C-terminal peptide have been reported with a dominant negative mechanism, while those predicted to undergo nonsense-mediated decay (NMD) have a loss of function mechanism (PMID: 20798280, 31638346). A toxic gain of function has also been demonstrated for one missense variant associated with dominant epidermolytic hyperkeratosis (MIM#113800) (PMID: 26176760). (I) 0108 - This gene is associated with both recessive and dominant disease. Individuals with biallelic variants predicted to undergo NMD have been reported with recessive disease (PMID: 18219278, 16505000). Individuals with frameshift variants affecting the last exon, missense variants and splice variants have all been reported with dominant disease (PMID: 26176760, 20798280, 31638346). (I) 0115 - Variants in this gene are known to have variable expressivity. Intrafamilial variability has been noted for annular epidermolytic ichthyosis (MIM#1607602) (OMIM). (I) 0200 - Variant is predicted to result in a missense amino acid change from leucine to proline. (I) 0251 - This variant is heterozygous. (I) 0301 - Variant is absent from gnomAD (both v2 and v3). (SP) 0501 - Missense variant consistently predicted to be damaging by multiple in silico tools or highly conserved with a major amino acid change. (SP) 0600 - Variant is located in the annotated filament domain (DECIPHER). (I) 0705 - No comparable missense variants have previous evidence for pathogenicity. (I) 0802 - This variant has moderate previous evidence of pathogenicity in unrelated individuals. This variant has been observed in multiple unrelated heterozygous individuals with hyperkeratosis or ichthyosis, and was de novo in one individual (PMID: 37736367, 30520551, 29444371, 34851365). (SP) 0905 - No published segregation evidence has been identified for this variant. (I) 1007 - No published functional evidence has been identified for this variant. (I) 1208 - Inheritance information for this variant is not currently available in this individual. (I) Legend: (SP) - Supporting pathogenic, (I) - Information, (SB) - Supporting benign

Labcorp Genetics (formerly Invitae), Labcorp
Classification: Pathogenic. Last evaluated: 2024-05-23. Review status: criteria provided, single submitter. Criteria: Invitae Variant Classification Sherloc (09022015). Collection method: clinical testing. Allele origin: germline.
Comment: This sequence change replaces leucine, which is neutral and non-polar, with proline, which is neutral and non-polar, at codon 436 of the KRT10 protein (p.Leu436Pro). This variant is not present in population databases (gnomAD no frequency). This missense change has been observed in individual(s) with autosomal dominant epidermolytic ichthyosis (PMID: 29444371, 30520551; Invitae). In at least one individual the variant was observed to be de novo. Advanced modeling of protein sequence and biophysical properties (such as structural, functional, and spatial information, amino acid conservation, physicochemical variation, residue mobility, and thermodynamic stability) performed at Invitae indicates that this missense variant is expected to disrupt KRT10 protein function with a positive predictive value of 80%. For these reasons, this variant has been classified as Pathogenic.

Literature cited by the submitters: PubMed 16505000 (cited by Victorian Clinical Genetics Services, Murdoch Childrens Research Institute); PubMed 18219278 (cited by Victorian Clinical Genetics Services, Murdoch Childrens Research Institute); PubMed 20798280 (cited by Victorian Clinical Genetics Services, Murdoch Childrens Research Institute); PubMed 26176760 (cited by Victorian Clinical Genetics Services, Murdoch Childrens Research Institute); PubMed 29444371 (cited by Victorian Clinical Genetics Services, Murdoch Childrens Research Institute and Labcorp Genetics (formerly Invitae), Labcorp); PubMed 30520551 (cited by Victorian Clinical Genetics Services, Murdoch Childrens Research Institute and Labcorp Genetics (formerly Invitae), Labcorp); PubMed 31638346 (cited by Victorian Clinical Genetics Services, Murdoch Childrens Research Institute); PubMed 34851365 (cited by Victorian Clinical Genetics Services, Murdoch Childrens Research Institute); PubMed 37736367 (cited by Victorian Clinical Genetics Services, Murdoch Childrens Research Institute).

NM_000421.5(KRT10):c.1307T>C (p.Leu436Pro)

Genes: KRT10 (keratin 10; minus strand), KRT10-AS1 (KRT10 antisense RNA 1; plus strand). Cytogenetic location: 17q21.2.
Variant type: single nucleotide variant.
Coding change: c.1307T>C on transcript NM_000421.5 (MANE Select); coding-DNA position 1307, T replaced by C.
Protein change: p.Leu436Pro; replaces leucine 436 with proline.
Molecular consequence: missense variant.
Genome position (GRCh38, 1-based): chr17:40,819,583, A>G on the plus strand (T>C on the coding strand, the complement: KRT10 is on the minus strand). VCF-style: chr17-40819583-A-G. GRCh37 (hg19) VCF-style: chr17-38975835-A-G.
Other names: c.1307T>C, p.Leu436Pro (NM_001379366.1); short protein forms L436P.
Identifiers: ClinVar variation 3377268 (VCV003377268.3).